The following is an entry in ClinVar:

ClinVar aggregate classification (germline): Uncertain significance (1 of 4 stars; one submission).

Conditions:
Dilated cardiomyopathy 1G (CMD1G). Identifiers: Orphanet 154, MedGen C1858763, MONDO:0011400, OMIM 604145.
Autosomal recessive limb-girdle muscular dystrophy type 2J (LGMDR10). Also called: Limb-girdle muscular dystrophy, type 2J; MUSCULAR DYSTROPHY, LIMB-GIRDLE, AUTOSOMAL RECESSIVE 10. Identifiers: Orphanet 140922, MedGen C1837342, MONDO:0012127, OMIM 608807.

Submission:

Labcorp Genetics (formerly Invitae), Labcorp
Classification: Uncertain significance for Dilated cardiomyopathy 1G; Autosomal recessive limb-girdle muscular dystrophy type 2J. Last evaluated: 2023-08-31. Review status: criteria provided, single submitter. Criteria: Invitae Variant Classification Sherloc (09022015). Collection method: clinical testing. Allele origin: germline.
Comment: This variant is not present in population databases (gnomAD no frequency). In summary, the available evidence is currently insufficient to determine the role of this variant in disease. Therefore, it has been classified as a Variant of Uncertain Significance. Experimental studies and prediction algorithms are not available or were not evaluated, and the functional significance of this variant is currently unknown. This variant has not been reported in the literature in individuals affected with TTN-related conditions. This sequence change replaces aspartic acid, which is acidic and polar, with alanine, which is neutral and non-polar, at codon 35195 of the TTN protein (p.Asp35195Ala). This variant is located in the M band of TTN (PMID: 25589632). Variants in this region may be relevant for neuromuscular disorders, but have not been definitively shown to cause cardiomyopathy (PMID: 23975875).

Literature cited by the submitters: PubMed 25589632; PubMed 23975875.

NM_001267550.2(TTN):c.105584A>C (p.Asp35195Ala)

Genes: TTN (titin; minus strand), TTN-AS1 (TTN antisense RNA 1; plus strand), LOC129935183 (ATAC-STARR-seq lymphoblastoid active region 16808; plus strand). Cytogenetic location: 2q31.2.
Variant type: single nucleotide variant.
Coding change: c.105584A>C on transcript NM_001267550.2 (MANE Select); coding-DNA position 105584, A replaced by C.
Protein change: p.Asp35195Ala; replaces aspartic acid 35195 with alanine.
Molecular consequence: missense variant.
Genome position (GRCh38, 1-based): chr2:178,531,031, T>G on the plus strand (A>C on the coding strand, the complement: TTN is on the minus strand). VCF-style: chr2-178531031-T-G. GRCh37 (hg19) VCF-style: chr2-179395758-T-G.
Other names: c.100661A>C, p.Asp33554Ala (NM_001256850.1); c.78389A>C, p.Asp26130Ala (NM_003319.4); c.97880A>C, p.Asp32627Ala (NM_133378.4); c.78764A>C, p.Asp26255Ala (NM_133432.3); c.78965A>C, p.Asp26322Ala (NM_133437.4); short protein forms D35195A, D26255A, D26322A, D32627A, D33554A, D26130A.
Identifiers: ClinVar variation 2951493 (VCV002951493.3), dbSNP rs2468393712, ClinGen allele CA349408468.